The following is an entry in ClinVar:

NM_145239.3(PRRT2):c.1013-41T>C

Genes: MVP-DT (MVP divergent transcript; minus strand), PRRT2 (proline rich transmembrane protein 2; plus strand). Cytogenetic location: 16p11.2.
Variant type: single nucleotide variant.
Coding change: c.1013-41T>C on transcript NM_145239.3 (MANE Select); 41 bases into the intron before coding-DNA position 1013, T replaced by C.
Molecular consequence: intron variant. On other transcripts: synonymous variant (1), 3 prime UTR variant (1).
Genome position (GRCh38, 1-based): chr16:29,814,587, T>C. VCF-style: chr16-29814587-T-C. GRCh37 (hg19) VCF-style: chr16-29825908-T-C.
Other names: c.1134T>C, p.Ser378= (NM_001256442.2); c.*633T>C (NM_001256443.2).
Identifiers: ClinVar variation 2646373 (VCV002646373.24), dbSNP rs772253642, ClinGen allele CA7994661.

ClinVar aggregate classification (germline): Likely benign (1 of 4 stars; one submission).

Allele frequency attached by ClinVar (database versions not stated): gnomAD exomes below 0.00001; ExAC 0.00001.

Submission:

CeGaT Center for Human Genetics Tuebingen
Classification: Likely benign. Last evaluated: 2022-06-01. Review status: criteria provided, single submitter. Criteria: CeGaT Center For Human Genetics Tuebingen Variant Classification Criteria Version 2. Collection method: clinical testing. Allele origin: germline. Affected: yes. Observed: 1 variant allele.
Comment: PRRT2: BP4, BP7